The following is an entry in ClinVar:

ClinVar aggregate classification (germline): Uncertain significance (1 of 4 stars; one submission).

Conditions:
Combined immunodeficiency due to CD3gamma deficiency. Also called: Immunodeficiency 17, CD3 gamma deficient; Immunodeficiency 17; CD3-GAMMA DEFICIENCY; SCID-LIKE IMMUNODEFICIENCY, T CELL-PARTIAL, B CELL-POSITIVE, NK CELL-POSITIVE. Identifiers: Orphanet 169082, MedGen C3810107, MONDO:0014276, OMIM 615607.

Submission:

Labcorp Genetics (formerly Invitae), Labcorp
Classification: Uncertain significance for Combined immunodeficiency due to CD3gamma deficiency. Last evaluated: 2022-06-13. Review status: criteria provided, single submitter. Criteria: Invitae Variant Classification Sherloc (09022015). Collection method: clinical testing. Allele origin: germline.
Comment: In summary, the available evidence is currently insufficient to determine the role of this variant in disease. Therefore, it has been classified as a Variant of Uncertain Significance. Algorithms developed to predict the effect of missense changes on protein structure and function output the following: SIFT: "Tolerated"; PolyPhen-2: "Benign"; Align-GVGD: "Class C0". The glutamic acid amino acid residue is found in multiple mammalian species, which suggests that this missense change does not adversely affect protein function. This variant has not been reported in the literature in individuals affected with CD3G-related conditions. This variant is not present in population databases (gnomAD no frequency). This sequence change replaces aspartic acid, which is acidic and polar, with glutamic acid, which is acidic and polar, at codon 58 of the CD3G protein (p.Asp58Glu).

NM_000073.3(CD3G):c.174T>A (p.Asp58Glu)

Genes: CD3G (CD3 gamma subunit of T-cell receptor complex; plus strand), LOC126861358 (BRD4-independent group 4 enhancer GRCh37_chr11:118220212-118221411; plus strand). Cytogenetic location: 11q23.3.
Variant type: single nucleotide variant.
Coding change: c.174T>A on transcript NM_000073.3 (MANE Select); coding-DNA position 174, T replaced by A.
Protein change: p.Asp58Glu; replaces aspartic acid 58 with glutamic acid.
Molecular consequence: missense variant.
Genome position (GRCh38, 1-based): chr11:118,349,837, T>A. VCF-style: chr11-118349837-T-A. GRCh37 (hg19) VCF-style: chr11-118220552-T-A.
Other names: short protein forms D58E.
Identifiers: ClinVar variation 2004804 (VCV002004804.4), dbSNP rs775372492, ClinGen allele CA382792454.